The following is an entry in ClinVar:

ClinVar aggregate classification (germline): Uncertain significance. Review status: criteria provided, multiple submitters, no conflicts (2 of 4 stars). 2 submissions from 2 submitters: Uncertain significance (2). Last evaluated 2025-10-01.

Allele frequency attached by ClinVar (database versions not stated): ExAC 0.00001; gnomAD exomes 0.00001; TOPMed 0.00003.
gnomAD v4.1: 12 of 1,614,054 alleles (0.00074%); highest among the groups gnomAD compares: African/African-American, 0.0093%; no homozygotes.

Submissions (2):

Ambry Genetics
Classification: Uncertain significance. Last evaluated: 2025-10-01. Review status: criteria provided, single submitter. Criteria: Ambry Variant Classification Scheme 2023. Collection method: clinical testing. Allele origin: germline.

Labcorp Genetics (formerly Invitae), Labcorp
Classification: Uncertain significance. Last evaluated: 2024-02-11. Review status: criteria provided, single submitter. Criteria: Invitae Variant Classification Sherloc (09022015). Collection method: clinical testing. Allele origin: germline.
Comment: This sequence change replaces asparagine, which is neutral and polar, with serine, which is neutral and polar, at codon 692 of the PITPNM3 protein (p.Asn692Ser). This variant is present in population databases (rs762863730, gnomAD 0.006%). This variant has not been reported in the literature in individuals affected with PITPNM3-related conditions. ClinVar contains an entry for this variant (Variation ID: 1511581). Advanced modeling of protein sequence and biophysical properties (such as structural, functional, and spatial information, amino acid conservation, physicochemical variation, residue mobility, and thermodynamic stability) performed at Invitae indicates that this missense variant is not expected to disrupt PITPNM3 protein function with a negative predictive value of 80%. In summary, the available evidence is currently insufficient to determine the role of this variant in disease. Therefore, it has been classified as a Variant of Uncertain Significance.

NM_031220.4(PITPNM3):c.2075A>G (p.Asn692Ser)

Gene: PITPNM3 (PITPNM family member 3; minus strand). Cytogenetic location: 17p13.2.
Variant type: single nucleotide variant.
Coding change: c.2075A>G on transcript NM_031220.4 (MANE Select); coding-DNA position 2075, A replaced by G.
Protein change: p.Asn692Ser; replaces asparagine 692 with serine.
Molecular consequence: missense variant.
Genome position (GRCh38, 1-based): chr17:6,464,251, T>C on the plus strand (A>G on the coding strand, the complement: PITPNM3 is on the minus strand). VCF-style: chr17-6464251-T-C. GRCh37 (hg19) VCF-style: chr17-6367571-T-C.
Other names: c.1967A>G, p.Asn656Ser (NM_001165966.2); c.2075A>G (NM_031220.3); short protein forms N656S, N692S.
Identifiers: ClinVar variation 1511581 (VCV001511581.9), dbSNP rs762863730, ClinGen allele CA8329286.
Genomic context (GRCh38, chr17:6,464,251, plus strand): 5'-TAGACACCAACCCCCAGGCGCCGGGGCCGCGGCACATTGTATGTGATGCGACCACTGCTG[T>C]TGGTGATCTCTGTGTCCAGGTGTACCCAGCGGCCTGAGGATGGCTCTGCCATTACTAGGA-3'
Protein context (NP_112497.2, residues 682-702): RWVHLDTEIT[Asn692Ser]SSGRITYNVP